The following is an entry in ClinVar:

NM_001145026.2(PTPRQ):c.2212A>G (p.Thr738Ala)

Gene: PTPRQ (protein tyrosine phosphatase receptor type Q; plus strand). Cytogenetic location: 12q21.31.
Variant type: single nucleotide variant.
Coding change: c.2212A>G on transcript NM_001145026.2 (MANE Select); coding-DNA position 2212, A replaced by G.
Protein change: p.Thr738Ala; replaces threonine 738 with alanine.
Molecular consequence: missense variant.
Genome position (GRCh38, 1-based): chr12:80,496,471, A>G. VCF-style: chr12-80496471-A-G. GRCh37 (hg19) VCF-style: chr12-80890250-A-G.
Other names: short protein forms T738A.
Identifiers: ClinVar variation 5000644 (VCV005000644.1).

ClinVar aggregate classification (germline): Uncertain significance (1 of 4 stars; one submission).

Conditions:
PTPRQ-related disorder. Also called: PTPRQ-related condition.

gnomAD v4.1: 3 of 1,550,596 alleles (0.00019%); highest among the groups gnomAD compares: Non-Finnish European, 0.00026%; no homozygotes.

Submission:

PreventionGenetics, part of Exact Sciences
Classification: Uncertain significance for PTPRQ-related condition. Last evaluated: 2025-03-18. Review status: criteria provided, single submitter. Criteria: ACMG Guidelines, 2015. Collection method: clinical testing. Allele origin: germline.
Comment: The PTPRQ c.2212A>G variant is predicted to result in the amino acid substitution p.Thr738Ala. To our knowledge, this variant has not been reported in the literature. This variant is reported in 0.0017% of alleles in individuals of European (Non-Finnish) descent in gnomAD. At this time, the clinical significance of this variant is uncertain due to the absence of conclusive functional and genetic evidence.